The following is an entry in ClinVar:

ClinVar aggregate classification (germline): Uncertain significance. Review status: criteria provided, multiple submitters, no conflicts (2 of 4 stars). 2 submissions from 2 submitters: Uncertain significance (2). Last evaluated 2024-02-21.

Conditions:
LAMA2-related muscular dystrophy (LAMA2-RD). Also called: Laminin alpha 2-related dystrophy. Identifiers: MedGen C5679788, MONDO:0100228.

Allele frequency attached by ClinVar (database versions not stated): TOPMed 0.00002.

Submissions (2):

Women's Health and Genetics/Laboratory Corporation of America, LabCorp
Classification: Uncertain significance. Last evaluated: 2024-02-21. Review status: criteria provided, single submitter. Criteria: LabCorp Variant Classification Summary - May 2015. Collection method: clinical testing. Allele origin: germline.
Comment: Variant summary: LAMA2 c.8969T>G (p.Ile2990Ser) results in a non-conservative amino acid change located in the Laminin G domain (IPR001791) of the encoded protein sequence. Four of five in-silico tools predict a damaging effect of the variant on protein function. The variant was absent in 251232 control chromosomes (gnomAD database v4.0.0). The available data on variant occurrences in the general population are insufficient to allow any conclusion about variant significance. To our knowledge, no occurrence of c.8969T>G in individuals affected with Laminin Alpha 2-Related Dystrophy and no experimental evidence demonstrating its impact on protein function have been reported. ClinVar contains an entry for this variant (Variation ID: 2171464). Based on the evidence outlined above, the variant was classified as uncertain significance.

Labcorp Genetics (formerly Invitae), Labcorp
Classification: Uncertain significance for LAMA2-related muscular dystrophy. Last evaluated: 2022-04-11. Review status: criteria provided, single submitter. Criteria: Invitae Variant Classification Sherloc (09022015). Collection method: clinical testing. Allele origin: germline.
Comment: This sequence change replaces isoleucine, which is neutral and non-polar, with serine, which is neutral and polar, at codon 2990 of the LAMA2 protein (p.Ile2990Ser). This variant is not present in population databases (gnomAD no frequency). This variant has not been reported in the literature in individuals affected with LAMA2-related conditions. Advanced modeling of protein sequence and biophysical properties (such as structural, functional, and spatial information, amino acid conservation, physicochemical variation, residue mobility, and thermodynamic stability) performed at Invitae indicates that this missense variant is not expected to disrupt LAMA2 protein function. In summary, the available evidence is currently insufficient to determine the role of this variant in disease. Therefore, it has been classified as a Variant of Uncertain Significance.

NM_000426.4(LAMA2):c.8969T>G (p.Ile2990Ser)

Gene: LAMA2 (laminin subunit alpha 2; plus strand). Cytogenetic location: 6q22.33.
Variant type: single nucleotide variant.
Coding change: c.8969T>G on transcript NM_000426.4 (MANE Select); coding-DNA position 8969, T replaced by G.
Protein change: p.Ile2990Ser; replaces isoleucine 2990 with serine.
Molecular consequence: missense variant.
Genome position (GRCh38, 1-based): chr6:129,512,474, T>G. VCF-style: chr6-129512474-T-G. GRCh37 (hg19) VCF-style: chr6-129833619-T-G.
Other names: c.8957T>G, p.Ile2986Ser (NM_001079823.2); short protein forms I2986S, I2990S.
Identifiers: ClinVar variation 2171464 (VCV002171464.3), dbSNP rs1289952093, ClinGen allele CA365636249.